The following is an entry in ClinVar:

ClinVar aggregate classification (germline): Uncertain significance (1 of 4 stars; one submission).

Submission:

Labcorp Genetics (formerly Invitae), Labcorp
Classification: Uncertain significance. Last evaluated: 2024-05-09. Review status: criteria provided, single submitter. Criteria: Invitae Variant Classification Sherloc (09022015). Collection method: clinical testing. Allele origin: germline.
Comment: This sequence change replaces cysteine, which is neutral and slightly polar, with arginine, which is basic and polar, at codon 62 of the GNAT1 protein (p.Cys62Arg). This variant is not present in population databases (gnomAD no frequency). This variant has not been reported in the literature in individuals affected with GNAT1-related conditions. Advanced modeling of protein sequence and biophysical properties (such as structural, functional, and spatial information, amino acid conservation, physicochemical variation, residue mobility, and thermodynamic stability) performed at Invitae indicates that this missense variant is not expected to disrupt GNAT1 protein function with a negative predictive value of 80%. In summary, the available evidence is currently insufficient to determine the role of this variant in disease. Therefore, it has been classified as a Variant of Uncertain Significance.

NM_144499.3(GNAT1):c.184T>C (p.Cys62Arg)

Gene: GNAT1 (G protein subunit alpha transducin 1; plus strand). Cytogenetic location: 3p21.31.
Variant type: single nucleotide variant.
Coding change: c.184T>C on transcript NM_144499.3 (MANE Select); coding-DNA position 184, T replaced by C.
Protein change: p.Cys62Arg; replaces cysteine 62 with arginine.
Molecular consequence: missense variant.
Genome position (GRCh38, 1-based): chr3:50,193,299, T>C. VCF-style: chr3-50193299-T-C. GRCh37 (hg19) VCF-style: chr3-50230732-T-C.
Other names: c.184T>C, p.Cys62Arg (NM_000172.4); short protein forms C62R.
Identifiers: ClinVar variation 3651975 (VCV003651975.2).